The following is an entry in ClinVar:

ClinVar aggregate classification (germline): Uncertain significance (1 of 4 stars; one submission).

Submission:

Labcorp Genetics (formerly Invitae), Labcorp
Classification: Uncertain significance. Last evaluated: 2026-01-06. Review status: criteria provided, single submitter. Criteria: Invitae Variant Classification Sherloc (09022015). Collection method: clinical testing. Allele origin: germline.
Comment: This sequence change replaces phenylalanine, which is neutral and non-polar, with leucine, which is neutral and non-polar, at codon 162 of the DSG1 protein (p.Phe162Leu). This variant is not present in population databases (gnomAD no frequency). This variant has not been reported in the literature in individuals affected with DSG1-related conditions. ClinVar contains an entry for this variant (Variation ID: 2831936). Invitae Evidence Modeling of protein sequence and biophysical properties (such as structural, functional, and spatial information, amino acid conservation, physicochemical variation, residue mobility, and thermodynamic stability) indicates that this missense variant is not expected to disrupt DSG1 protein function with a negative predictive value of 80%. In summary, the available evidence is currently insufficient to determine the role of this variant in disease. Therefore, it has been classified as a Variant of Uncertain Significance.

NM_001942.4(DSG1):c.484T>C (p.Phe162Leu)

Gene: DSG1 (desmoglein 1; plus strand). Cytogenetic location: 18q12.1.
Variant type: single nucleotide variant.
Coding change: c.484T>C on transcript NM_001942.4 (MANE Select); coding-DNA position 484, T replaced by C.
Protein change: p.Phe162Leu; replaces phenylalanine 162 with leucine.
Molecular consequence: missense variant.
Genome position (GRCh38, 1-based): chr18:31,330,003, T>C. VCF-style: chr18-31330003-T-C. GRCh37 (hg19) VCF-style: chr18-28909966-T-C.
Other names: short protein forms F162L.
Identifiers: ClinVar variation 2831936 (VCV002831936.3), dbSNP rs2071710532, ClinGen allele CA402128690.
Genomic context (GRCh38, chr18:31,330,003, plus strand): 5'-GAGCTCAGAGTCAGGGTTTTGGATATAAATGACAACCCTCCAGTGTTTTCAATGGCTACA[T>C]TTGCAGGACAAATAGAAGAAAATTCTAATGCAAGTAAGTAATGTAGTGGCTTCCAAATCA-3'
Protein context (NP_001933.2, residues 152-172): DNPPVFSMAT[Phe162Leu]AGQIEENSNA